The following is an entry in ClinVar:

ClinVar aggregate classification (germline): Conflicting classifications of pathogenicity. Review status: criteria provided, conflicting classifications (1 of 4 stars). 3 submissions from 3 submitters: Uncertain significance (2); Likely benign (1). Last evaluated 2025-05-13.

Conditions:
Cardiovascular phenotype. Identifiers: MedGen CN230736.
Cardiomyopathy (CMYO). Also called: Cardiomyopathies. Identifiers: Orphanet 167848, MedGen C0878544, MONDO:0004994, HP:0001638. Inheritance: Various modes of inheritance.

Allele frequency attached by ClinVar (database versions not stated): gnomAD exomes below 0.00001; ExAC 0.00001; gnomAD 0.00001; TOPMed 0.00001.
gnomAD v4.1: 4 of 1,613,986 alleles (0.00025%); highest among the groups gnomAD compares: Non-Finnish European, 0.00034%; no homozygotes.

Submissions (3):

Color Diagnostics, LLC DBA Color Health
Classification: Uncertain significance for Cardiomyopathy. Last evaluated: 2025-05-13. Review status: criteria provided, single submitter. Criteria: ACMG Guidelines, 2015. Collection method: clinical testing. Allele origin: germline.
Comment: This variant is located in the 5' untranslated region of the MYL2 gene. To our knowledge, functional studies have not been reported for this variant. This variant has not been reported in individuals affected with MYL2-related disorders in the literature. This variant has been identified in 1/251440 chromosomes in the general population by the Genome Aggregation Database (gnomAD). The available evidence is insufficient to determine the role of this variant in disease conclusively. Therefore, this variant is classified as a Variant of Uncertain Significance.

Ambry Genetics
Classification: Uncertain significance for Cardiovascular phenotype. Last evaluated: 2020-12-14. Review status: criteria provided, single submitter. Criteria: Ambry Variant Classification Scheme 2023. Collection method: clinical testing. Allele origin: germline.
Comment: The c.-2C>T variant is located in the 5' untranslated region (5&rsquo; UTR) of the MYL2 gene. This variant results from a C to T substitution 2 bases upstream from the first translated codon. This nucleotide position is well conserved in available vertebrate species. Since supporting evidence is limited at this time, the clinical significance of this alteration remains unclear.

GeneDx
Classification: Likely benign. Last evaluated: 2011-09-27. Review status: criteria provided, single submitter. Criteria: GeneDx Variant Classification (06012015). Collection method: clinical testing. Allele origin: germline. Affected: yes.
Comment: This variant is considered likely benign or benign based on one or more of the following criteria: it is a conservative change, it occurs at a poorly conserved position in the protein, it is predicted to be benign by multiple in silico algorithms, and/or has population frequency not consistent with disease.

NM_000432.4(MYL2):c.-2C>T

Genes: MYL2 (myosin light chain 2; minus strand), LOC114827850 (VISTA enhancer hs2149; plus strand). Cytogenetic location: 12q24.11.
Variant type: single nucleotide variant.
Coding change: c.-2C>T on transcript NM_000432.4 (MANE Select); 2 bases upstream of the start codon, C replaced by T.
Molecular consequence: 5 prime UTR variant. On other transcripts: intron variant (1).
Genome position (GRCh38, 1-based): chr12:110,920,531, G>A on the plus strand (C>T on the coding strand, the complement: MYL2 is on the minus strand). VCF-style: chr12-110920531-G-A. GRCh37 (hg19) VCF-style: chr12-111358335-G-A.
Other names: c.-2C>T (NM_001406745.1, NM_001406746.1); c.-55+858C>T (NM_001406916.1).
Identifiers: ClinVar variation 181417 (VCV000181417.6), dbSNP rs730880938, ClinGen allele CA010062.